The following is an entry in ClinVar:

NM_031942.5(CDCA7):c.401G>T (p.Arg134Leu)

Gene: CDCA7 (cell division cycle associated 7; plus strand). Cytogenetic location: 2q31.1.
Variant type: single nucleotide variant.
Coding change: c.401G>T on transcript NM_031942.5 (MANE Select); coding-DNA position 401, G replaced by T.
Protein change: p.Arg134Leu; replaces arginine 134 with leucine.
Molecular consequence: missense variant.
Genome position (GRCh38, 1-based): chr2:173,363,242, G>T. VCF-style: chr2-173363242-G-T. GRCh37 (hg19) VCF-style: chr2-174227970-G-T.
Other names: c.164G>T, p.Arg55Leu (NM_145810.3); c.401G>T (NM_031942.4); short protein forms R134L, R55L.
Identifiers: ClinVar variation 1385946 (VCV001385946.9), dbSNP rs775744518, ClinGen allele CA349324005.
Genomic context (GRCh38, chr2:173,363,242, plus strand): 5'-CTTGTCTGCTGATCAAGTCCTAATGACTCAATTGTTGTGATTAGAGGCTGCAGTCAGTTC[G>T]GGAAGGCTGTAGGACCCGCAGCCAGTGCAGGCACTCTGGACCTCTCAGGGTGGCGATGAA-3'
Protein context (NP_114148.3, residues 124-144): IQDGMRLQSV[Arg134Leu]EGCRTRSQCR

ClinVar aggregate classification (germline): Uncertain significance. Review status: criteria provided, multiple submitters, no conflicts (2 of 4 stars). 2 submissions from 2 submitters: Uncertain significance (2). Last evaluated 2024-04-05.

gnomAD v4.1: 18 of 1,613,976 alleles (0.0011%); highest among the groups gnomAD compares: Non-Finnish European, 0.0014%; no homozygotes.

Submissions (2):

Ambry Genetics
Classification: Uncertain significance. Last evaluated: 2024-04-05. Review status: criteria provided, single submitter. Criteria: Ambry Variant Classification Scheme 2023. Collection method: clinical testing. Allele origin: germline.

Labcorp Genetics (formerly Invitae), Labcorp
Classification: Uncertain significance. Last evaluated: 2020-11-14. Review status: criteria provided, single submitter. Criteria: Invitae Variant Classification Sherloc (09022015). Collection method: clinical testing. Allele origin: germline.
Comment: In summary, the available evidence is currently insufficient to determine the role of this variant in disease. Therefore, it has been classified as a Variant of Uncertain Significance. This variant has not been reported in the literature in individuals with CDCA7-related conditions. This sequence change replaces arginine with leucine at codon 134 of the CDCA7 protein (p.Arg134Leu). The arginine residue is moderately conserved and there is a moderate physicochemical difference between arginine and leucine. This variant is not present in population databases (ExAC no frequency). Algorithms developed to predict the effect of missense changes on protein structure and function (SIFT, PolyPhen-2, Align-GVGD) all suggest that this variant is likely to be tolerated, but these predictions have not been confirmed by published functional studies and their clinical significance is uncertain.